The following is an entry in ClinVar:

NM_004793.4(LONP1):c.-1T>G

Gene: LONP1 (lon peptidase 1, mitochondrial; minus strand). Cytogenetic location: 19p13.3.
Variant type: single nucleotide variant.
Coding change: c.-1T>G on transcript NM_004793.4 (MANE Select); 1 bases upstream of the start codon, T replaced by G.
Molecular consequence: 5 prime UTR variant. On other transcripts: non-coding transcript variant (1), intron variant (1).
Genome position (GRCh38, 1-based): chr19:5,720,133, A>C on the plus strand (T>G on the coding strand, the complement: LONP1 is on the minus strand). VCF-style: chr19-5720133-A-C. GRCh37 (hg19) VCF-style: chr19-5720144-A-C.
Other names: c.-1T>G (NM_001276479.2); c.-160+86T>G (NM_001276480.1).
Identifiers: ClinVar variation 4980792 (VCV004980792.1).

ClinVar aggregate classification (germline): Uncertain significance (1 of 4 stars; one submission).

Conditions:
LONP1-related disorder. Also called: LONP1-related disorders; LONP1-related condition.

gnomAD v4.1: 14 of 1,409,064 alleles (0.00099%); highest among the groups gnomAD compares: Non-Finnish European, 0.0012%; no homozygotes.

Submission:

PreventionGenetics, part of Exact Sciences
Classification: Uncertain significance for LONP1-related condition. Last evaluated: 2026-07-02. Review status: criteria provided, single submitter. Criteria: ACMG Guidelines, 2015. Collection method: clinical testing. Allele origin: germline.
Comment: The LONP1 c.-1T>G variant is located in the 5' untranslated region. To our knowledge, this variant has not been reported in the literature. This variant is absent in a large population database (gnomAD), indicating this variant is rare. At this time, the clinical significance of this variant is uncertain due to the absence of conclusive functional and genetic evidence.